The following is an entry in ClinVar:

NM_020937.4(FANCM):c.5647C>G (p.Gln1883Glu)

Gene: FANCM (FA complementation group M; plus strand). Cytogenetic location: 14q21.2.
Variant type: single nucleotide variant.
Coding change: c.5647C>G on transcript NM_020937.4 (MANE Select); coding-DNA position 5647, C replaced by G.
Protein change: p.Gln1883Glu; replaces glutamine 1883 with glutamic acid.
Molecular consequence: missense variant.
Genome position (GRCh38, 1-based): chr14:45,196,478, C>G. VCF-style: chr14-45196478-C-G. GRCh37 (hg19) VCF-style: chr14-45665681-C-G.
Other names: c.5569C>G, p.Gln1857Glu (NM_001308133.2); short protein forms Q1857E, Q1883E.
Identifiers: ClinVar variation 4022867 (VCV004022867.1).

ClinVar aggregate classification (germline): Uncertain significance (1 of 4 stars; one submission).

Conditions:
Inborn genetic diseases. Identifiers: MedGen C0950123, MeSH D030342.

Submission:

Ambry Genetics
Classification: Uncertain significance for Inborn genetic diseases. Last evaluated: 2025-06-08. Review status: criteria provided, single submitter. Criteria: Ambry Variant Classification Scheme 2023. Collection method: clinical testing. Allele origin: germline.
Comment: The p.Q1883E variant (also known as c.5647C>G), located in coding exon 21 of the FANCM gene, results from a C to G substitution at nucleotide position 5647. The glutamine at codon 1883 is replaced by glutamic acid, an amino acid with highly similar properties. This amino acid position is conserved. In addition, this alteration is predicted to be tolerated by in silico analysis. Based on the available evidence, the clinical significance of this variant remains unclear.